The following is an entry in ClinVar:

ClinVar aggregate classification (germline): Pathogenic (1 of 4 stars; one submission).

Submission:

Labcorp Genetics (formerly Invitae), Labcorp
Classification: Pathogenic. Last evaluated: 2022-03-09. Review status: criteria provided, single submitter. Criteria: Invitae Variant Classification Sherloc (09022015). Collection method: clinical testing. Allele origin: germline.
Comment: For these reasons, this variant has been classified as Pathogenic. This variant has not been reported in the literature in individuals affected with COL2A1-related conditions. This variant is not present in population databases (gnomAD no frequency). This sequence change creates a premature translational stop signal (p.Gly900Glufs*128) in the COL2A1 gene. It is expected to result in an absent or disrupted protein product. Loss-of-function variants in COL2A1 are known to be pathogenic (PMID: 20179744).

Literature cited by the submitters: PubMed 20179744.

NM_001844.5(COL2A1):c.2699del (p.Gly900fs)

Gene: COL2A1 (collagen type II alpha 1 chain; minus strand). Cytogenetic location: 12q13.11.
Variant type: Deletion.
Coding change: c.2699del on transcript NM_001844.5 (MANE Select); coding-DNA position 2699, one base deleted (G; older notation c.2699delG).
Protein change: p.Gly900fs; shifts the reading frame from glycine 900.
Molecular consequence: frameshift variant.
Genome position (GRCh38, 1-based): chr12:47,979,545, C deleted on the plus strand (G on the coding strand, the reverse complement: COL2A1 is on the minus strand); the first of 2 consecutive C bases (chr12:47,979,545-47,979,546); deleting either gives the same sequence. VCF-style (leftmost placement, unchanged base first): chr12-47979544-TC-T. GRCh37 (hg19) VCF-style: chr12-48373327-TC-T.
Other names: c.2492del, p.Gly831fs (NM_033150.3); short protein forms G900fs, G831fs.
Identifiers: ClinVar variation 1360283 (VCV001360283.6), dbSNP rs2136532405, ClinGen allele CA2573148566.